The following is an entry in ClinVar:

NM_173500.4(TTBK2):c.3607T>A (p.Ser1203Thr)

Gene: TTBK2 (tau tubulin kinase 2; minus strand). Cytogenetic location: 15q15.2.
Variant type: single nucleotide variant.
Coding change: c.3607T>A on transcript NM_173500.4 (MANE Select); coding-DNA position 3607, T replaced by A.
Protein change: p.Ser1203Thr; replaces serine 1203 with threonine.
Molecular consequence: missense variant.
Genome position (GRCh38, 1-based): chr15:42,745,923, A>T on the plus strand (T>A on the coding strand, the complement: TTBK2 is on the minus strand). VCF-style: chr15-42745923-A-T. GRCh37 (hg19) VCF-style: chr15-43038121-A-T.
Other names: short protein forms S1203T.
Identifiers: ClinVar variation 3600834 (VCV003600834.1).
Genomic context (GRCh38, chr15:42,745,923, plus strand): 5'-GGAGGCTGCCGGATCCTTTCAGGCCATTCTTGCTGGGTTTGCAATGCTCCTGTTGGCAGG[A>T]CCTCCTGGAGGAGGAAGATCCTGAGTGGCTGGGAGGTGACTTGCTTCTCCCCAGATGTGG-3'
Protein context (NP_775771.3, residues 1193-1213): SHSGSSSSRR[Ser1203Thr]CQQEHCKPSK

ClinVar aggregate classification (germline): Uncertain significance (1 of 4 stars; one submission).

gnomAD v4.1: 1 of 1,613,490 alleles (0.000062%); no homozygotes.

Submission:

GeneDx
Classification: Uncertain significance. Last evaluated: 2024-07-21. Review status: criteria provided, single submitter. Criteria: GeneDx Variant Classification Process June 2021. Collection method: clinical testing. Allele origin: germline. Affected: yes.
Comment: Not observed at significant frequency in large population cohorts (gnomAD); In silico analysis indicates that this missense variant does not alter protein structure/function; Has not been previously published as pathogenic or benign to our knowledge